The following is an entry in ClinVar:

ClinVar aggregate classification (germline): Benign/Likely benign. Review status: criteria provided, multiple submitters, no conflicts (2 of 4 stars). 3 submissions from 3 submitters: Benign (2); Likely benign (1). Last evaluated 2025-11-09.

Conditions:
Spinocerebellar ataxia type 19/22 (SCA19). Also called: SPINOCEREBELLAR ATAXIA 19; SPINOCEREBELLAR ATAXIA 22. Identifiers: Orphanet 98772, MedGen C1846367, MONDO:0011819, OMIM 607346.

Allele frequency attached by ClinVar (database versions not stated): TOPMed 0.00005; gnomAD 0.00009; 1000 Genomes Project 30x 0.00016; ExAC 0.00016; gnomAD exomes 0.00019; 1000 Genomes Project 0.00020; ESP Exome Variant Server 0.00023.
gnomAD v4.1: 291 of 1,613,926 alleles (0.018%); highest among the groups gnomAD compares: South Asian, 0.094%; no homozygotes.

Submissions (3):

Labcorp Genetics (formerly Invitae), Labcorp
Classification: Benign for Spinocerebellar ataxia type 19/22. Last evaluated: 2025-11-09. Review status: criteria provided, single submitter. Criteria: Invitae Variant Classification Sherloc (09022015). Collection method: clinical testing. Allele origin: germline.

CeGaT Center for Human Genetics Tuebingen
Classification: Benign. Last evaluated: 2022-09-01. Review status: criteria provided, single submitter. Criteria: CeGaT Center For Human Genetics Tuebingen Variant Classification Criteria Version 2. Collection method: clinical testing. Allele origin: germline. Affected: yes. Observed: 1 variant allele.
Comment: KCND3: BS1, BS2

GeneDx
Classification: Likely benign. Last evaluated: 2017-08-21. Review status: criteria provided, single submitter. Criteria: GeneDx Variant Classification (06012015). Collection method: clinical testing. Allele origin: germline. Affected: yes.
Comment: This variant is considered likely benign or benign based on one or more of the following criteria: it is a conservative change, it occurs at a poorly conserved position in the protein, it is predicted to be benign by multiple in silico algorithms, and/or has population frequency not consistent with disease.

NM_001378969.1(KCND3):c.1269+13C>T

Gene: KCND3 (potassium voltage-gated channel subfamily D member 3; minus strand). Cytogenetic location: 1p13.2.
Variant type: single nucleotide variant.
Coding change: c.1269+13C>T on transcript NM_001378969.1 (MANE Select); 13 bases into the intron after coding-DNA position 1269, C replaced by T.
Molecular consequence: intron variant.
Genome position (GRCh38, 1-based): chr1:111,786,931, G>A on the plus strand (C>T on the coding strand, the complement: KCND3 is on the minus strand). VCF-style: chr1-111786931-G-A. GRCh37 (hg19) VCF-style: chr1-112329553-G-A.
Other names: c.1269+13C>T (NM_001378970.1, NM_172198.3, NM_004980.5).
Identifiers: ClinVar variation 511559 (VCV000511559.32), dbSNP rs72548726, ClinGen allele CA1007497.
Genomic context (GRCh38, chr1:111,786,931, plus strand): 5'-TAGTCCTGGCTCCCTGACTGGTGCTCCCCCGCATCCTTTACACTGCCCCCGCTTCCCTGC[G>A]TCTGAGGCTTACCTTTTGTGCCCTGCGTTTATCAGCTCTCTGATTCTGGTGGTAAATCCG-3'